The following is an entry in ClinVar:

NM_000138.5(FBN1):c.3347A>G (p.Glu1116Gly)

Gene: FBN1 (fibrillin 1; minus strand). Cytogenetic location: 15q21.1.
Variant type: single nucleotide variant.
Coding change: c.3347A>G on transcript NM_000138.5 (MANE Select); coding-DNA position 3347, A replaced by G.
Protein change: p.Glu1116Gly; replaces glutamic acid 1116 with glycine.
Molecular consequence: missense variant.
Genome position (GRCh38, 1-based): chr15:48,487,428, T>C on the plus strand (A>G on the coding strand, the complement: FBN1 is on the minus strand). VCF-style: chr15-48487428-T-C. GRCh37 (hg19) VCF-style: chr15-48779625-T-C.
Other names: short protein forms E1116G.
Identifiers: ClinVar variation 573764 (VCV000573764.8), dbSNP rs1566909547, ClinGen allele CA392326782.

ClinVar aggregate classification (germline): Likely pathogenic (1 of 4 stars; one submission).

Conditions:
Familial thoracic aortic aneurysm and aortic dissection (TAAD). Also called: Thoracic aortic aneurysms and dissections. Identifiers: Orphanet 91387, MedGen C4707243, MONDO:0019625.
Marfan syndrome (MFS). Also called: FBN1-Related Marfan Syndrome; Marfan syndrome type 1; Marfan's syndrome; Marfan syndrome, classic; MARFAN SYNDROME, TYPE I. Identifiers: Orphanet 284963, Orphanet 558, MedGen C0024796, MONDO:0007947, OMIM 154700.

Submission:

Labcorp Genetics (formerly Invitae), Labcorp
Classification: Likely pathogenic for Marfan syndrome; Familial thoracic aortic aneurysm and aortic dissection. Last evaluated: 2024-01-18. Review status: criteria provided, single submitter. Criteria: Invitae Variant Classification Sherloc (09022015). Collection method: clinical testing. Allele origin: germline.
Comment: This sequence change replaces glutamic acid, which is acidic and polar, with glycine, which is neutral and non-polar, at codon 1116 of the FBN1 protein (p.Glu1116Gly). This variant is not present in population databases (gnomAD no frequency). This missense change has been observed in individuals with clinical features of FBN1-related conditions (Invitae). ClinVar contains an entry for this variant (Variation ID: 573764). Advanced modeling of protein sequence and biophysical properties (such as structural, functional, and spatial information, amino acid conservation, physicochemical variation, residue mobility, and thermodynamic stability) performed at Invitae indicates that this missense variant is expected to disrupt FBN1 protein function with a positive predictive value of 95%. In summary, the currently available evidence indicates that the variant is pathogenic, but additional data are needed to prove that conclusively. Therefore, this variant has been classified as Likely Pathogenic.